The following is an entry in ClinVar:

NM_017755.6(NSUN2):c.416C>T (p.Ser139Leu)

Gene: NSUN2 (NOP2/Sun RNA methyltransferase 2; minus strand). Cytogenetic location: 5p15.31.
Variant type: single nucleotide variant.
Coding change: c.416C>T on transcript NM_017755.6 (MANE Select); coding-DNA position 416, C replaced by T.
Protein change: p.Ser139Leu; replaces serine 139 with leucine.
Molecular consequence: missense variant. On other transcripts: non-coding transcript variant (1).
Genome position (GRCh38, 1-based): chr5:6,625,613, G>A on the plus strand (C>T on the coding strand, the complement: NSUN2 is on the minus strand). VCF-style: chr5-6625613-G-A. GRCh37 (hg19) VCF-style: chr5-6625726-G-A.
Other names: c.311C>T, p.Ser104Leu (NM_001193455.2); c.416C>T (NM_017755.5); short protein forms S139L, S104L.
Identifiers: ClinVar variation 1970863 (VCV001970863.5), dbSNP rs750141088, ClinGen allele CA3192815.

ClinVar aggregate classification (germline): Uncertain significance. Review status: criteria provided, multiple submitters, no conflicts (2 of 4 stars). 3 submissions from 3 submitters: Uncertain significance (3). Last evaluated 2026-02-17.

Allele frequency attached by ClinVar (database versions not stated): gnomAD exomes 0.00001; ExAC 0.00002.
gnomAD v4.1: 21 of 1,614,150 alleles (0.0013%); highest among the groups gnomAD compares: Admixed American, 0.0033%; no homozygotes.

Submissions (3):

GeneDx
Classification: Uncertain significance. Last evaluated: 2026-02-17. Review status: criteria provided, single submitter. Criteria: GeneDx Variant Classification Process June 2021. Collection method: clinical testing. Allele origin: germline.
Comment: In silico analysis supports that this missense variant has a deleterious effect on protein structure/function; Has not been previously published as pathogenic or benign to our knowledge

Labcorp Genetics (formerly Invitae), Labcorp
Classification: Uncertain significance. Last evaluated: 2022-02-08. Review status: criteria provided, single submitter. Criteria: Invitae Variant Classification Sherloc (09022015). Collection method: clinical testing. Allele origin: germline.
Comment: This sequence change replaces serine, which is neutral and polar, with leucine, which is neutral and non-polar, at codon 139 of the NSUN2 protein (p.Ser139Leu). This variant is present in population databases (rs750141088, gnomAD 0.006%). This variant has not been reported in the literature in individuals affected with NSUN2-related conditions. Algorithms developed to predict the effect of missense changes on protein structure and function are either unavailable or do not agree on the potential impact of this missense change (SIFT: "Deleterious"; PolyPhen-2: "Possibly Damaging"; Align-GVGD: "Class C15"). In summary, the available evidence is currently insufficient to determine the role of this variant in disease. Therefore, it has been classified as a Variant of Uncertain Significance.

Blueprint Genetics
Classification: Uncertain significance. Last evaluated: 2021-06-23. Review status: criteria provided, single submitter. Criteria: ACMG Guidelines, 2015. Collection method: clinical testing. Allele origin: germline.